The following is an entry in ClinVar:

NM_001387430.1(SH2B1):c.306G>A (p.Ser102=)

Gene: SH2B1 (SH2B adaptor protein 1; plus strand). Cytogenetic location: 16p11.2.
Variant type: single nucleotide variant.
Coding change: c.306G>A on transcript NM_001387430.1 (MANE Select); coding-DNA position 306, G replaced by A.
Protein change: p.Ser102=; no amino-acid change (serine 102 retained).
Molecular consequence: synonymous variant. On other transcripts: intron variant (1).
Genome position (GRCh38, 1-based): chr16:28,866,400, G>A. VCF-style: chr16-28866400-G-A. GRCh37 (hg19) VCF-style: chr16-28877721-G-A.
Other names: c.306G>A, p.Ser102= (NM_001145795.2, NM_001145796.2, NM_001145797.2 and 4 more transcripts); c.-26-974G>A (NM_001308294.2).
Identifiers: ClinVar variation 3354040 (VCV003354040.2).

ClinVar aggregate classification (germline): Likely benign. Review status: criteria provided, single submitter (1 of 4 stars). 2 submissions from 2 submitters: Likely benign (1). 1 of the submissions does not count toward it. Last evaluated 2025-08-17.

Conditions:
SH2B1-related disorder. Also called: SH2B1-related condition.

gnomAD v4.1: 16 of 1,613,714 alleles (0.00099%); highest among the groups gnomAD compares: Admixed American, 0.0033%; no homozygotes.

Submissions (2):

Labcorp Genetics (formerly Invitae), Labcorp
Classification: Likely benign. Last evaluated: 2025-08-17. Review status: criteria provided, single submitter. Criteria: Invitae Variant Classification Sherloc (09022015). Collection method: clinical testing. Allele origin: germline.

PreventionGenetics, part of Exact Sciences
Classification: Likely benign for SH2B1-related condition. Last evaluated: 2024-05-02. Review status: no assertion criteria provided. Collection method: clinical testing. Allele origin: germline. Not counted in ClinVar's aggregate classification.
Comment: This variant is classified as likely benign based on ACMG/AMP sequence variant interpretation guidelines (Richards et al. 2015 PMID: 25741868, with internal and published modifications).